The following is an entry in ClinVar:

NM_138420.4(AHNAK2):c.10443C>G (p.Pro3481=)

Gene: AHNAK2 (AHNAK nucleoprotein 2; minus strand). Cytogenetic location: 14q32.33.
Variant type: single nucleotide variant.
Coding change: c.10443C>G on transcript NM_138420.4 (MANE Select); coding-DNA position 10443, C replaced by G.
Protein change: p.Pro3481=; no amino-acid change (proline 3481 retained).
Molecular consequence: synonymous variant.
Genome position (GRCh38, 1-based): chr14:104,945,008, G>C on the plus strand (C>G on the coding strand, the complement: AHNAK2 is on the minus strand). VCF-style: chr14-104945008-G-C. GRCh37 (hg19) VCF-style: chr14-105411345-G-C.
Other names: c.10143C>G, p.Pro3381= (NM_001350929.2).
Identifiers: ClinVar variation 2644669 (VCV002644669.24), dbSNP rs147845524, ClinGen allele CA7379147.

ClinVar aggregate classification (germline): Likely benign (1 of 4 stars; one submission).

Allele frequency attached by ClinVar (database versions not stated): 1000 Genomes Project 0.00060.
gnomAD v4.1: 973 of 1,600,048 alleles (0.061%); highest among the groups gnomAD compares: East Asian, 0.45%; 4 homozygotes.

Submission:

CeGaT Center for Human Genetics Tuebingen
Classification: Likely benign. Last evaluated: 2025-06-01. Review status: criteria provided, single submitter. Criteria: CeGaT Center For Human Genetics Tuebingen Variant Classification Criteria Version 2. Collection method: clinical testing. Allele origin: germline. Affected: yes. Observed: 2 variant alleles.
Comment: AHNAK2: BP4, BP7